The following is an entry in ClinVar:

ClinVar aggregate classification (germline): Uncertain significance (1 of 4 stars; one submission).

Conditions:
Dystonic disorder. Also called: Dystonia. Identifiers: MedGen C0013421, MONDO:0003441, HP:0001332.

Allele frequency attached by ClinVar (database versions not stated): gnomAD 0.00001; TOPMed 0.00002; ESP Exome Variant Server 0.00008.
gnomAD v4.1: 10 of 1,598,958 alleles (0.00063%); highest among the groups gnomAD compares: Non-Finnish European, 0.00085%; no homozygotes.

Submission:

Labcorp Genetics (formerly Invitae), Labcorp
Classification: Uncertain significance for Dystonic disorder. Last evaluated: 2023-09-14. Review status: criteria provided, single submitter. Criteria: Invitae Variant Classification Sherloc (09022015). Collection method: clinical testing. Allele origin: germline.
Comment: In summary, the available evidence is currently insufficient to determine the role of this variant in disease. Therefore, it has been classified as a Variant of Uncertain Significance. Advanced modeling of protein sequence and biophysical properties (such as structural, functional, and spatial information, amino acid conservation, physicochemical variation, residue mobility, and thermodynamic stability) performed at Invitae indicates that this missense variant is not expected to disrupt ANO3 protein function. This variant has not been reported in the literature in individuals affected with ANO3-related conditions. This variant is present in population databases (rs371308679, gnomAD 0.002%). This sequence change replaces aspartic acid, which is acidic and polar, with alanine, which is neutral and non-polar, at codon 122 of the ANO3 protein (p.Asp122Ala).

NM_031418.4(ANO3):c.365A>C (p.Asp122Ala)

Gene: ANO3 (anoctamin 3; plus strand). Cytogenetic location: 11p14.2.
Variant type: single nucleotide variant.
Coding change: c.365A>C on transcript NM_031418.4 (MANE Select); coding-DNA position 365, A replaced by C.
Protein change: p.Asp122Ala; replaces aspartic acid 122 with alanine.
Molecular consequence: missense variant.
Genome position (GRCh38, 1-based): chr11:26,463,081, A>C. VCF-style: chr11-26463081-A-C. GRCh37 (hg19) VCF-style: chr11-26484628-A-C.
Other names: c.548A>C, p.Asp183Ala (NM_001313726.2); short protein forms D183A, D122A.
Identifiers: ClinVar variation 2717842 (VCV002717842.3), dbSNP rs371308679, ClinGen allele CA219766075.